The following is an entry in ClinVar:

NM_004247.4(EFTUD2):c.1963-1G>T

Gene: EFTUD2 (elongation factor Tu GTP binding domain containing 2; minus strand). Cytogenetic location: 17q21.31.
Variant type: single nucleotide variant.
Coding change: c.1963-1G>T on transcript NM_004247.4 (MANE Select); the canonical splice acceptor site of the intron before coding-DNA position 1963, G replaced by T.
Molecular consequence: splice acceptor variant.
Genome position (GRCh38, 1-based): chr17:44,857,158, C>A on the plus strand (G>T on the coding strand, the complement: EFTUD2 is on the minus strand). VCF-style: chr17-44857158-C-A. GRCh37 (hg19) VCF-style: chr17-42934526-C-A.
Other names: c.1858-1G>T (NM_001142605.2); c.1933-1G>T (NM_001258354.2); c.1963-1G>T (NM_001258353.2).
Identifiers: ClinVar variation 419585 (VCV000419585.2), dbSNP rs765835040, ClinGen allele CA16620454.

ClinVar aggregate classification (germline): Pathogenic (1 of 4 stars; one submission).

Submission:

GeneDx
Classification: Pathogenic. Last evaluated: 2015-08-22. Review status: criteria provided, single submitter. Criteria: GeneDx Variant Classification (06012015). Collection method: clinical testing. Allele origin: germline. Affected: yes.
Comment: The c.1963-1G>T variant in the EFTUD2 gene has not been reported previously as pathogenic nor as a benign polymorphism, to our knowledge. This splice site variant destroys the canonicalsplice acceptor site in intron 19. It is predicted to cause abnormal gene splicing, either leading to anabnormal message that is subject to nonsense-mediated mRNA decay, or to an abnormal protein product ifthe message is used for protein translation. The c.1963-1G>T variant was not observed in approximately6500 individuals of European and African American ancestry in the NHLBI Exome Sequencing Project,indicating it is not a common benign variant in these populations. We interpret c.1963-1G>T as a pathogenic variant.